The following is an entry in ClinVar:

NM_001164508.2(NEB):c.7054A>T (p.Lys2352Ter)

Gene: NEB (nebulin; minus strand). Cytogenetic location: 2q23.3.
Variant type: single nucleotide variant.
Coding change: c.7054A>T on transcript NM_001164508.2 (MANE Select); coding-DNA position 7054, A replaced by T.
Protein change: p.Lys2352Ter; replaces lysine 2352 with a stop codon.
Molecular consequence: nonsense.
Genome position (GRCh38, 1-based): chr2:151,650,747, T>A on the plus strand (A>T on the coding strand, the complement: NEB is on the minus strand). VCF-style: chr2-151650747-T-A. GRCh37 (hg19) VCF-style: chr2-152507261-T-A.
Other names: c.7054A>T, p.Lys2352Ter (NM_001164507.2, NM_001271208.2, NM_004543.5); short protein forms K2352*.
Identifiers: ClinVar variation 1725615 (VCV001725615.2), dbSNP rs2552249937, ClinGen allele CA348790268.

ClinVar aggregate classification (germline): Likely pathogenic (1 of 4 stars; one submission).

Conditions:
Nemaline myopathy 2 (NEM2). Also called: Nemaline myopathy 2, autosomal recessive. Identifiers: MedGen C1850569, MONDO:0009725, OMIM 256030.

Submission:

Myriad Genetics, Inc.
Classification: Likely pathogenic for Nemaline myopathy 2. Last evaluated: 2022-03-30. Review status: criteria provided, single submitter. Criteria: Myriad Women's Health Autosomal Recessive and X-Linked Classification Criteria (2021). Collection method: clinical testing. Allele origin: unknown.
Comment: NM_001271208.1(NEB):c.7054A>T(K2352*) is expected to be pathogenic in the context of NEB-related nemaline myopathy. This variant is predicted to lead to an abnormal or absent protein product due to the creation of a premature termination codon in NEB, a gene where loss-of-function variants are known to be pathogenic. Please note: this variant was assessed in the context of healthy population screening.